The following is an entry in ClinVar:

NM_001012614.2(CTBP1):c.515-1G>C

Genes: CTBP1 (C-terminal binding protein 1; minus strand), CTBP1-AS (CTBP1 antisense RNA; plus strand). Cytogenetic location: 4p16.3.
Variant type: single nucleotide variant.
Coding change: c.515-1G>C on transcript NM_001012614.2 (MANE Select); the canonical splice acceptor site of the intron before coding-DNA position 515, G replaced by C.
Molecular consequence: splice acceptor variant. On other transcripts: non-coding transcript variant (1).
Genome position (GRCh38, 1-based): chr4:1,216,206, C>G on the plus strand (G>C on the coding strand, the complement: CTBP1 is on the minus strand). VCF-style: chr4-1216206-C-G. GRCh37 (hg19) VCF-style: chr4-1209994-C-G.
Other names: c.515-1G>C (NM_001377192.1, NM_001377189.1, NM_001377193.1 and 4 more transcripts); c.548-1G>C (NM_001328.3, NM_001377186.1).
Identifiers: ClinVar variation 5017399 (VCV005017399.1).

ClinVar aggregate classification (germline): Uncertain significance (1 of 4 stars; one submission).

Submission:

GeneDx
Classification: Uncertain significance. Last evaluated: 2026-03-24. Review status: criteria provided, single submitter. Criteria: GeneDx Variant Classification Process June 2021. Collection method: clinical testing. Allele origin: germline.
Comment: Not observed at significant frequency in large population cohorts (gnomAD); Canonical splice site variant in a gene or region of a gene for which loss of function is not a well-established mechanism of disease; Has not been previously published as pathogenic or benign to our knowledge.